The following is an entry in ClinVar:

ClinVar aggregate classification (germline): Uncertain significance (1 of 4 stars; one submission).

Conditions:
Early-infantile DEE. Also called: Early infantile epileptic encephalopathy; Ohtahara syndrome; Early infantile epileptic encephalopathy with suppression bursts. Identifiers: Orphanet 1934, MedGen C0393706, MONDO:0800491.

Submission:

Labcorp Genetics (formerly Invitae), Labcorp
Classification: Uncertain significance for Early-infantile DEE. Last evaluated: 2019-08-13. Review status: criteria provided, single submitter. Criteria: Invitae Variant Classification Sherloc (09022015). Collection method: clinical testing. Allele origin: germline.
Comment: In summary, the available evidence is currently insufficient to determine the role of this variant in disease. Therefore, it has been classified as a Variant of Uncertain Significance. Algorithms developed to predict the effect of missense changes on protein structure and function are either unavailable or do not agree on the potential impact of this missense change (SIFT: "Deleterious"; PolyPhen-2: "Probably Damaging"; Align-GVGD: "Class C0"). This variant has not been reported in the literature in individuals with SCN8A-related conditions. This variant is not present in population databases (ExAC no frequency). This sequence change replaces phenylalanine with leucine at codon 360 of the SCN8A protein (p.Phe360Leu). The phenylalanine residue is highly conserved and there is a small physicochemical difference between phenylalanine and leucine.

NM_001330260.2(SCN8A):c.1080C>G (p.Phe360Leu)

Gene: SCN8A (sodium voltage-gated channel alpha subunit 8; plus strand). Cytogenetic location: 12q13.13.
Variant type: single nucleotide variant.
Coding change: c.1080C>G on transcript NM_001330260.2 (MANE Select); coding-DNA position 1080, C replaced by G.
Protein change: p.Phe360Leu; replaces phenylalanine 360 with leucine.
Molecular consequence: missense variant.
Genome position (GRCh38, 1-based): chr12:51,702,860, C>G. VCF-style: chr12-51702860-C-G. GRCh37 (hg19) VCF-style: chr12-52096644-C-G.
Other names: c.1080C>G, p.Phe360Leu (NM_001369788.1, NM_014191.4, NM_001177984.3); short protein forms F360L.
Identifiers: ClinVar variation 949729 (VCV000949729.10), dbSNP rs1941714033, ClinGen allele CA385227237.
Genomic context (GRCh38, chr12:51,702,860, plus strand): 5'-GAAAGCAGGAAGGAACCCCAACTATGGTTACACAAGTTTTGACACTTTTAGCTGGGCCTT[C>G]TTGGCATTATTTCGCCTTATGACCCAGGACTATTGGGAAAACTTGTATCAATTGGTGAGT-3'
Protein context (NP_001317189.1, residues 350-370): YTSFDTFSWA[Phe360Leu]LALFRLMTQD